The following is an entry in ClinVar:

ClinVar aggregate classification (germline): Likely benign (1 of 4 stars; one submission).

Conditions:
Lissencephaly 4 (LIS4). Also called: Lissencephaly 4 (with microcephaly). Identifiers: Orphanet 1083, MedGen C3151461, MONDO:0013527, OMIM 614019.

Allele frequency attached by ClinVar (database versions not stated): 1000 Genomes Project 0.00659; gnomAD exomes 0.00962; 1000 Genomes Project 30x 0.00640; TOPMed 0.00639; gnomAD 0.00573 and 0.00615.
gnomAD v4.1: 1,529 of 214,940 alleles (0.71%); highest among the groups gnomAD compares: Middle Eastern, 2.3%; 18 homozygotes.

Submission:

Illumina Laboratory Services, Illumina
Classification: Likely benign for Lissencephaly 4. Last evaluated: 2018-01-13. Review status: criteria provided, single submitter. Criteria: ICSL Variant Classification Criteria 13 December 2019. Collection method: clinical testing. Allele origin: germline.
Comment: This variant was observed in the ICSL laboratory as part of a predisposition screen in an ostensibly healthy population. It had not been previously curated by ICSL or reported in the Human Gene Mutation Database (HGMD: prior to June 1st, 2018), and was therefore a candidate for classification through an automated scoring system. Utilizing variant allele frequency, disease prevalence and penetrance estimates, and inheritance mode, an automated score was calculated to assess if this variant is too frequent to cause the disease. Based on the score and internal cut-off values, a variant classified as likely benign is not then subjected to further curation. The score for this variant resulted in a classification of likely benign for this disease.

NM_001143979.2(NDE1):c.-353A>G

Gene: NDE1 (nudE neurodevelopment protein 1; plus strand). Cytogenetic location: 16p13.11.
Variant type: single nucleotide variant.
Coding change: c.-353A>G on transcript NM_001143979.2; 353 bases upstream of the start codon, A replaced by G.
Molecular consequence: 5 prime UTR variant.
Genome position (GRCh38, 1-based): chr16:15,643,740, A>G. VCF-style: chr16-15643740-A-G. GRCh37 (hg19) VCF-style: chr16-15737597-A-G.
Identifiers: ClinVar variation 318029 (VCV000318029.7), dbSNP rs138559781, ClinGen allele CA10647890.
Genomic context (GRCh38, chr16:15,643,740, plus strand): 5'-AGTGGAGAAAAAAATAACTGCCAACCTGGCTTCCTACGAGGTCCCCCGGAGTTCTCGCAA[A>G]GTTGCGACCCAGTTGGCAAAAATACAGTGTGTGCAAAGACTCAACTGGACATTGCCACCA-3'